The following is an entry in ClinVar:

NM_001372123.1(IKZF5):c.286C>T (p.Arg96Trp)

Gene: IKZF5 (IKAROS family zinc finger 5; minus strand). Cytogenetic location: 10q26.13.
Variant type: single nucleotide variant.
Coding change: c.286C>T on transcript NM_001372123.1 (MANE Select); coding-DNA position 286, C replaced by T.
Protein change: p.Arg96Trp; replaces arginine 96 with tryptophan.
Molecular consequence: missense variant.
Genome position (GRCh38, 1-based): chr10:122,996,024, G>A on the plus strand (C>T on the coding strand, the complement: IKZF5 is on the minus strand). VCF-style: chr10-122996024-G-A. GRCh37 (hg19) VCF-style: chr10-124755540-G-A.
Other names: c.286C>T, p.Arg96Trp (NM_001271840.1, NM_001372125.1, NM_001372126.1 and 2 more transcripts); c.82C>T, p.Arg28Trp (NM_001372124.1, NM_001372129.1, NM_001372130.1 and 1 more transcripts); short protein forms R28W, R96W.
Identifiers: ClinVar variation 1684458 (VCV001684458.2), dbSNP rs2133384781, ClinGen allele CA378613368.

ClinVar aggregate classification (germline): Pathogenic/Likely pathogenic. Review status: no assertion criteria provided (0 of 4 stars). 2 submissions from 2 submitters: Pathogenic (1); Likely pathogenic (1). Last evaluated 2020-12-23.

Conditions:
Thrombocytopenia 7. Also called: THROMBOCYTOPENIA, AUTOSOMAL DOMINANT, 7. Identifiers: MedGen C5436874, MONDO:0030867, OMIM 619130.

Submissions (2):

OMIM
Classification: Pathogenic for THROMBOCYTOPENIA 7. Last evaluated: 2020-12-23. Review status: no assertion criteria provided. Collection method: literature only. Allele origin: germline.

ISTH-SSC Genomics in Thrombosis and Hemostasis, KU Leuven, Center for Molecular and Vascular Biology
Classification: Likely pathogenic for Thrombocytopenia 7. Review status: no assertion criteria provided. Collection method: research. Allele origin: germline. Affected: yes.
Comment: Submitted to GoldVariant by Dr Karyn Mégy from NIHR Bioresource - Cambridge University, UK

Literature cited by the submitters: PubMed 31217188 (cited by OMIM).